The following is an entry in ClinVar:

ClinVar aggregate classification (germline): Uncertain significance (1 of 4 stars; one submission).

Submission:

GeneDx
Classification: Uncertain significance. Last evaluated: 2025-03-27. Review status: criteria provided, single submitter. Criteria: GeneDx Variant Classification Process June 2021. Collection method: clinical testing. Allele origin: germline. Affected: yes.
Comment: Not observed at significant frequency in large population cohorts (gnomAD); In silico analysis indicates that this missense variant does not alter protein structure/function; Has not been previously published as pathogenic or benign to our knowledge

NM_001145358.2(SIN3A):c.869T>G (p.Leu290Trp)

Gene: SIN3A (SIN3 transcription regulator family member A; minus strand). Cytogenetic location: 15q24.2.
Variant type: single nucleotide variant.
Coding change: c.869T>G on transcript NM_001145358.2 (MANE Select); coding-DNA position 869, T replaced by G.
Protein change: p.Leu290Trp; replaces leucine 290 with tryptophan.
Molecular consequence: missense variant.
Genome position (GRCh38, 1-based): chr15:75,411,631, A>C on the plus strand (T>G on the coding strand, the complement: SIN3A is on the minus strand). VCF-style: chr15-75411631-A-C. GRCh37 (hg19) VCF-style: chr15-75703972-A-C.
Other names: c.869T>G, p.Leu290Trp (NM_001145357.2, NM_001437462.1, NM_001437463.1 and 1 more transcripts); short protein forms L290W.
Identifiers: ClinVar variation 4088057 (VCV004088057.1).